The following is an entry in ClinVar:

NM_021922.3(FANCE):c.239G>A (p.Arg80His)

Genes: FANCE (FA complementation group E; plus strand), LOC129996245 (ATAC-STARR-seq lymphoblastoid silent region 17092; plus strand). Cytogenetic location: 6p21.31.
Variant type: single nucleotide variant.
Coding change: c.239G>A on transcript NM_021922.3 (MANE Select); coding-DNA position 239, G replaced by A.
Protein change: p.Arg80His; replaces arginine 80 with histidine.
Molecular consequence: missense variant.
Genome position (GRCh38, 1-based): chr6:35,452,784, G>A. VCF-style: chr6-35452784-G-A. GRCh37 (hg19) VCF-style: chr6-35420561-G-A.
Other names: short protein forms R80H.
Identifiers: ClinVar variation 1483332 (VCV001483332.6), dbSNP rs1243363612, ClinGen allele CA363770933.

ClinVar aggregate classification (germline): Uncertain significance (1 of 4 stars; one submission).

Conditions:
Fanconi anemia complementation group E (FANCE). Also called: FANCE-Related Fanconi Anemia. Identifiers: Orphanet 84, MedGen C3160739, MONDO:0010953, OMIM 600901.

Submission:

Labcorp Genetics (formerly Invitae), Labcorp
Classification: Uncertain significance for Fanconi anemia complementation group E. Last evaluated: 2021-11-21. Review status: criteria provided, single submitter. Criteria: Invitae Variant Classification Sherloc (09022015). Collection method: clinical testing. Allele origin: germline.
Comment: In summary, the available evidence is currently insufficient to determine the role of this variant in disease. Therefore, it has been classified as a Variant of Uncertain Significance. Algorithms developed to predict the effect of missense changes on protein structure and function are either unavailable or do not agree on the potential impact of this missense change (SIFT: "Tolerated"; PolyPhen-2: "Probably Damaging"; Align-GVGD: "Class C0"). This variant has not been reported in the literature in individuals affected with FANCE-related conditions. This variant is not present in population databases (gnomAD no frequency). This sequence change replaces arginine, which is basic and polar, with histidine, which is basic and polar, at codon 80 of the FANCE protein (p.Arg80His).